The following is an entry in ClinVar:

NM_000398.7(CYB5R3):c.21+7G>A

Genes: CYB5R3 (cytochrome b5 reductase 3; minus strand), LOC130067609 (ATAC-STARR-seq lymphoblastoid silent region 13835; plus strand). Cytogenetic location: 22q13.2.
Variant type: single nucleotide variant.
Coding change: c.21+7G>A on transcript NM_000398.7 (MANE Select); 7 bases into the intron after coding-DNA position 21, G replaced by A.
Molecular consequence: intron variant.
Genome position (GRCh38, 1-based): chr22:42,649,288, C>T on the plus strand (G>A on the coding strand, the complement: CYB5R3 is on the minus strand). VCF-style: chr22-42649288-C-T. GRCh37 (hg19) VCF-style: chr22-43045294-C-T.
Identifiers: ClinVar variation 3905419 (VCV003905419.10).

ClinVar aggregate classification (germline): Uncertain significance (1 of 4 stars; one submission).

Submission:

CeGaT Center for Human Genetics Tuebingen
Classification: Uncertain significance. Last evaluated: 2025-05-01. Review status: criteria provided, single submitter. Criteria: CeGaT Center For Human Genetics Tuebingen Variant Classification Criteria Version 2. Collection method: clinical testing. Allele origin: germline. Affected: yes. Observed: 1 variant allele.
Comment: CYB5R3: PM2, PM3:Supporting, BP4